The following is an entry in ClinVar:

ClinVar aggregate classification (germline): Uncertain significance. Review status: criteria provided, multiple submitters, no conflicts (2 of 4 stars). 2 submissions from 2 submitters: Uncertain significance (2). Last evaluated 2025-04-07.

Conditions:
Inborn genetic diseases. Identifiers: MedGen C0950123, MeSH D030342.
Popliteal pterygium syndrome (PPS). Identifiers: Orphanet 294963, MedGen C0265259, MONDO:0017435.
Orofacial cleft 6, susceptibility to (OFC6). Also called: CLEFT LIP WITH OR WITHOUT CLEFT PALATE, NONSYNDROMIC, 6. Identifiers: MedGen C1837213, MONDO:0012141, OMIM 608864.
Van der Woude syndrome. Identifiers: Orphanet 888, MedGen C0175697, MONDO:0019508.

Allele frequency attached by ClinVar (database versions not stated): ExAC 0.00001; TOPMed 0.00002; gnomAD 0.00003; gnomAD exomes 0.00003.

Submissions (2):

Ambry Genetics
Classification: Uncertain significance for Inborn genetic diseases. Last evaluated: 2025-04-07. Review status: criteria provided, single submitter. Criteria: Ambry Variant Classification Scheme 2023. Collection method: clinical testing. Allele origin: germline.

Labcorp Genetics (formerly Invitae), Labcorp
Classification: Uncertain significance for Orofacial cleft 6, susceptibility to; Van der Woude syndrome; Popliteal pterygium syndrome. Last evaluated: 2023-06-07. Review status: criteria provided, single submitter. Criteria: Invitae Variant Classification Sherloc (09022015). Collection method: clinical testing. Allele origin: germline.
Comment: In summary, the available evidence is currently insufficient to determine the role of this variant in disease. Therefore, it has been classified as a Variant of Uncertain Significance. Advanced modeling of protein sequence and biophysical properties (such as structural, functional, and spatial information, amino acid conservation, physicochemical variation, residue mobility, and thermodynamic stability) performed at Invitae indicates that this missense variant is not expected to disrupt IRF6 protein function. This variant has not been reported in the literature in individuals affected with IRF6-related conditions. This variant is present in population databases (rs748520173, gnomAD 0.009%). This sequence change replaces asparagine, which is neutral and polar, with serine, which is neutral and polar, at codon 94 of the IRF6 protein (p.Asn94Ser).

NM_006147.4(IRF6):c.281A>G (p.Asn94Ser)

Gene: IRF6 (interferon regulatory factor 6; minus strand). Cytogenetic location: 1q32.2.
Variant type: single nucleotide variant.
Coding change: c.281A>G on transcript NM_006147.4 (MANE Select); coding-DNA position 281, A replaced by G.
Protein change: p.Asn94Ser; replaces asparagine 94 with serine.
Molecular consequence: missense variant. On other transcripts: 5 prime UTR variant (1).
Genome position (GRCh38, 1-based): chr1:209,796,446, T>C on the plus strand (A>G on the coding strand, the complement: IRF6 is on the minus strand). VCF-style: chr1-209796446-T-C. GRCh37 (hg19) VCF-style: chr1-209969791-T-C.
Other names: c.281A>G (NM_006147.3); c.-5A>G (NM_001206696.2); short protein forms N94S.
Identifiers: ClinVar variation 2922793 (VCV002922793.4), dbSNP rs748520173, ClinGen allele CA1377368.